The following is an entry in ClinVar:

ClinVar aggregate classification (germline): Uncertain significance. Review status: reviewed by expert panel (3 of 4 stars). 10 submissions from 10 submitters: Uncertain significance (1). 9 of the submissions do not count toward it. Last evaluated 2025-08-01.

Conditions:
Malignant hyperthermia, susceptibility to, 1 (MHS1). Also called: Pharmacogenic myopathy; Malignant hyperthermia suceptibility 1; Anesthesia related hyperthermia; Malignant hyperpyrexia; Fulminating hyperpyrexia; RYR1-Related Malignant Hyperthermia Susceptibility. Identifiers: Orphanet 423, MedGen C2930980, MONDO:0007783, OMIM 145600.
Congenital myopathy with fiber type disproportion. Also called: Congenital fiber-type disproportion myopathy; Congenital fiber-type disproportion. Identifiers: Orphanet 2020, MedGen C0546264, MONDO:0009711. Inheritance: all.
Congenital multicore myopathy with external ophthalmoplegia (CMYO1B). Also called: Congenital myopathy 1B, autosomal recessive; Minicore myopathy; Minicore myopathy with external ophthalmoplegia; MULTIMINICORE DISEASE WITH EXTERNAL OPHTHALMOPLEGIA; MULTICORE MYOPATHY. Identifiers: Orphanet 598, Orphanet 98905, MedGen C1850674, MONDO:0009712, OMIM 255320, HP:0003789.
Central core myopathy (CMYO1A). Also called: Central core disease; Myopathy, central fibrillar; CONGENITAL MYOPATHY 1A, AUTOSOMAL DOMINANT, WITH SUSCEPTIBILITY TO MALIGNANT HYPERTHERMIA. Identifiers: Orphanet 597, MedGen C5830701, MONDO:0007294, OMIM 117000.
King Denborough syndrome (KDS). Identifiers: MedGen C1840365, MONDO:0020485, OMIM 619542.
RYR1-related disorder. Also called: RYR1-related condition; RYR1-related disorders. Identifiers: MedGen CN239331.
Malignant hyperthermia of anesthesia. Also called: Anesthesic-triggered malignant hyperthermia. Identifiers: Orphanet 423, MedGen C0024591, MONDO:0018493, HP:0034733.

Allele frequency attached by ClinVar (database versions not stated): ExAC 0.00011; gnomAD exomes 0.00011; TOPMed 0.00011; gnomAD 0.00013 and 0.00014; ESP Exome Variant Server 0.00023.
gnomAD v4.1: 354 of 1,608,240 alleles (0.022%); highest among the groups gnomAD compares: Middle Eastern, 0.034%; no homozygotes.

Submissions (10):

ClinGen Malignant Hyperthermia Susceptibility Variant Curation Expert Panel, ClinGen
Classification: Uncertain significance for Malignant hyperthermia of anesthesia. Last evaluated: 2025-08-01. Review status: reviewed by expert panel. Criteria: ClinGen MHS ACMG Specifications V2. Collection method: curation. Allele origin: germline. Inheritance: Autosomal dominant inheritance.
Comment: This pathogenicity assessment is relevant only for malignant hyperthermia susceptibility (MHS) inherited in an autosomal dominant pattern. Variants in RYR1 can also cause other myopathies inherited in an autosomal dominant pattern or in an autosomal recessive pattern. Some of these disorders may predispose individuals to malignant hyperthermia. RYR1 variants may also contribute to a malignant hyperthermia reaction in combination with other genetic and non-genetic factors and the clinician needs to consider such factors in making management decisions. This sequence variant predicts a substitution of arginine with histidine at codon 1032 of the RYR1 protein, p.(Arg1032His). The maximum allele frequency for this variant among the six major gnomAD populations is NFE: 0.000206, a frequency consistent with pathogenicity for MHS. This variant has been reported in an individual with a personal or family history of an MH episode and a positive in vitro contracture test (IVCT) or caffeine halothane contracture test (CHCT) result (if the proband was unavailable for testing, a positive diagnostic test result in a mutation-positive relative was counted) (PMID:30236257 ). However, the high MAF in the NFE population in gnomAD precludes the use of PS4. No functional studies were identified for this variant. This variant does not reside in a hotspot for pathogenic variants that contribute to MHS. A REVEL score of 0.547 supports neither a pathogenic nor a benign status for this variant. This variant has been classified as a Variant of Unknown Significance. No criteria implemented.

GeneDx
Classification: Uncertain significance. Last evaluated: 2026-01-12. Review status: criteria provided, single submitter. Criteria: GeneDx Variant Classification Process June 2021. Collection method: clinical testing. Allele origin: germline. Affected: yes. Not counted in ClinVar's aggregate classification.
Comment: In silico analysis supports that this missense variant has a deleterious effect on protein structure/function; This variant is associated with the following publications: (PMID: 30236257, 24627108)

Labcorp Genetics (formerly Invitae), Labcorp
Classification: Uncertain significance for RYR1-related disorder. Last evaluated: 2025-01-12. Review status: criteria provided, single submitter. Criteria: Invitae Variant Classification Sherloc (09022015). Collection method: clinical testing. Allele origin: germline. Not counted in ClinVar's aggregate classification.
Comment: This sequence change replaces arginine, which is basic and polar, with histidine, which is basic and polar, at codon 1032 of the RYR1 protein (p.Arg1032His). This variant is present in population databases (rs141942845, gnomAD 0.02%). This missense change has been observed in individual(s) with malignant hyperthermia susceptibility (PMID: 30236257). ClinVar contains an entry for this variant (Variation ID: 374974). Invitae Evidence Modeling of protein sequence and biophysical properties (such as structural, functional, and spatial information, amino acid conservation, physicochemical variation, residue mobility, and thermodynamic stability) indicates that this missense variant is not expected to disrupt RYR1 protein function with a negative predictive value of 80%. In summary, the available evidence is currently insufficient to determine the role of this variant in disease. Therefore, it has been classified as a Variant of Uncertain Significance.

All of Us Research Program, National Institutes of Health
Classification: Uncertain significance for Malignant hyperthermia, susceptibility to, 1. Last evaluated: 2024-09-23. Review status: criteria provided, single submitter. Criteria: ACMG Guidelines, 2015. Collection method: clinical testing. Allele origin: germline. Inheritance: Autosomal dominant inheritance. Observed: 57 variant alleles, 57 heterozygotes. Not counted in ClinVar's aggregate classification.
Comment: This missense variant replaces arginine with histidine at codon 1032 of the RYR1 protein. Computational prediction is inconclusive regarding the impact of this variant on protein structure and function (internally defined REVEL score threshold 0.5 < inconclusive < 0.7, PMID: 27666373). To our knowledge, functional studies have not been reported for this variant. This variant has been reported in one family affected with malignant hyperthermia susceptibility (PMID: 30236257). This variant has been identified in 27/266406 chromosomes in the general population by the Genome Aggregation Database (gnomAD). The available evidence is insufficient to determine the role of this variant in disease conclusively. Therefore, this variant is classified as a Variant of Uncertain Significance.

This study involves interpretation of variants in research participants for the purpose of population health screening. Participant phenotype was not available at the time of variant classification. Additional details can be found in publication PMID: 35346344, PMCID: PMC8962531

Color Diagnostics, LLC DBA Color Health
Classification: Uncertain significance for Malignant hyperthermia, susceptibility to, 1. Last evaluated: 2024-02-07. Review status: criteria provided, single submitter. Criteria: ACMG Guidelines, 2015. Collection method: clinical testing. Allele origin: germline. Not counted in ClinVar's aggregate classification.
Comment: This missense variant replaces arginine with histidine at codon 1032 of the RYR1 protein. Computational prediction is inconclusive regarding the impact of this variant on protein structure and function. To our knowledge, functional studies have not been reported for this variant. This variant has been reported in one family affected with malignant hyperthermia susceptibility (PMID: 30236257). This variant has been identified in 27/266406 chromosomes in the general population by the Genome Aggregation Database (gnomAD). The available evidence is insufficient to determine the role of this variant in disease conclusively. Therefore, this variant is classified as a Variant of Uncertain Significance.

Athena Diagnostics
Classification: Uncertain significance. Last evaluated: 2021-08-05. Review status: criteria provided, single submitter. Criteria: Athena Diagnostics Criteria. Collection method: clinical testing. Allele origin: unknown. Not counted in ClinVar's aggregate classification.

Fulgent Genetics
Classification: Uncertain significance for Central core myopathy; Malignant hyperthermia, susceptibility to, 1; Congenital myopathy 4A, autosomal dominant; Congenital multicore myopathy with external ophthalmoplegia; King Denborough syndrome. Last evaluated: 2021-08-03. Review status: criteria provided, single submitter. Criteria: ACMG Guidelines, 2015. Collection method: clinical testing. Allele origin: unknown. Not counted in ClinVar's aggregate classification.

Revvity Omics, Revvity
Classification: Uncertain significance. Last evaluated: 2020-10-28. Review status: criteria provided, single submitter. Criteria: ACMG Guidelines, 2015. Collection method: clinical testing. Allele origin: germline. Not counted in ClinVar's aggregate classification.

PreventionGenetics, part of Exact Sciences
Classification: Uncertain significance. Last evaluated: 2013-10-21. Review status: criteria provided, single submitter. Criteria: ACMG Guidelines, 2015. Collection method: clinical testing. Allele origin: germline. Not counted in ClinVar's aggregate classification.

Knight Diagnostic Laboratories, Oregon Health and Sciences University
Classification: Uncertain significance for Malignant hyperthermia, susceptibility to, 1. Last evaluated: 2015-09-26. Review status: no assertion criteria provided. Criteria: ACMG Guidelines, 2015. Collection method: clinical testing. Allele origin: germline. Affected: no. Study: CSER-NextGen. Not counted in ClinVar's aggregate classification.

Literature cited by the submitters: PubMed 30236257 (cited by 4 submitters).

NM_000540.3(RYR1):c.3095G>A (p.Arg1032His)

Gene: RYR1 (ryanodine receptor 1; plus strand). Cytogenetic location: 19q13.2.
Variant type: single nucleotide variant.
Coding change: c.3095G>A on transcript NM_000540.3 (MANE Select); coding-DNA position 3095, G replaced by A.
Protein change: p.Arg1032His; replaces arginine 1032 with histidine.
Molecular consequence: missense variant.
Genome position (GRCh38, 1-based): chr19:38,466,315, G>A. VCF-style: chr19-38466315-G-A. GRCh37 (hg19) VCF-style: chr19-38956955-G-A.
Other names: c.3095G>A (NM_000540.2); c.3095G>A, p.Arg1032His (NM_001042723.2); short protein forms R1032H.
Identifiers: ClinVar variation 374974 (VCV000374974.31), dbSNP rs141942845, ClinGen allele CA064406.